The following is an entry in ClinVar:

ClinVar aggregate classification (germline): Conflicting classifications of pathogenicity. Review status: criteria provided, conflicting classifications (1 of 4 stars). 3 submissions from 3 submitters: Likely pathogenic (2); Uncertain significance (1). Last evaluated 2025-04-16.

Conditions:
GFAP-related disorder. Also called: GFAP-related disorders; GFAP-related condition.
Inborn genetic diseases. Identifiers: MedGen C0950123, MeSH D030342.

Allele frequency attached by ClinVar (database versions not stated): gnomAD exomes below 0.00001.
gnomAD v4.1: 2 of 1,614,118 alleles (0.00012%); highest among the groups gnomAD compares: Non-Finnish European, 0.000085%; no homozygotes.

Submissions (3):

Ambry Genetics
Classification: Likely pathogenic for Inborn genetic diseases. Last evaluated: 2025-04-16. Review status: criteria provided, single submitter. Criteria: Ambry Variant Classification Scheme 2023. Collection method: clinical testing. Allele origin: germline.
Comment: The c.196C>T (p.R66W) alteration is located in exon 1 (coding exon 1) of the GFAP gene. This alteration results from a C to T substitution at nucleotide position 196, causing the arginine (R) at amino acid position 66 to be replaced by a tryptophan (W). This variant was not reported in population-based cohorts in the Genome Aggregation Database (gnomAD). Other variant(s) at the same codon, c.197G>A (p.R66Q), have been identified in individual(s) with features consistent with adult onset Alexander disease (Kang, 2023; Zhang, 2021; Hida, 2012; Pedroso, 2014; Prust, 2011). This amino acid position is highly conserved in available vertebrate species. This missense alteration is located in a region that has a low rate of benign missense variation (Lek, 2016; Firth, 2009). This alteration is predicted to be deleterious by in silico analysis. Based on the available evidence, this alteration is classified as likely pathogenic.

Blueprint Genetics
Classification: Likely pathogenic for GFAP-related disorders. Last evaluated: 2020-04-24. Review status: criteria provided, single submitter. Criteria: ACMG Guidelines, 2015. Collection method: clinical testing. Allele origin: germline. Affected: yes. Observed: 2 variant alleles.

GeneDx
Classification: Uncertain significance. Last evaluated: 2019-04-08. Review status: criteria provided, single submitter. Criteria: GeneDx Variant Classification Process June 2021. Collection method: clinical testing. Allele origin: germline. Affected: yes.
Comment: Has not been previously published as pathogenic or benign to our knowledge; Not observed in large population cohorts (Lek et al., 2016); In silico analysis, which includes protein predictors and evolutionary conservation, supports a deleterious effect

Literature cited by the submitters: PubMed 21917775 (cited by Ambry Genetics); PubMed 22619055 (cited by Ambry Genetics); PubMed 24188966 (cited by Ambry Genetics); PubMed 34012265 (cited by Ambry Genetics); PubMed 37396762 (cited by Ambry Genetics); PubMed 39643430 (cited by Ambry Genetics).

NM_002055.5(GFAP):c.196C>T (p.Arg66Trp)

Gene: GFAP (glial fibrillary acidic protein; minus strand). Cytogenetic location: 17q21.31.
Variant type: single nucleotide variant.
Coding change: c.196C>T on transcript NM_002055.5 (MANE Select); coding-DNA position 196, C replaced by T.
Protein change: p.Arg66Trp; replaces arginine 66 with tryptophan.
Molecular consequence: missense variant.
Genome position (GRCh38, 1-based): chr17:44,915,291, G>A on the plus strand (C>T on the coding strand, the complement: GFAP is on the minus strand). VCF-style: chr17-44915291-G-A. GRCh37 (hg19) VCF-style: chr17-42992659-G-A.
Other names: c.196C>T, p.Arg66Trp (NM_001131019.3, NM_001242376.3, NM_001363846.2); short protein forms R66W.
Identifiers: ClinVar variation 1308545 (VCV001308545.4), dbSNP rs1567778698, ClinGen allele CA399848839.